The following is an entry in ClinVar:

NM_014363.6(SACS):c.11532T>C (p.Thr3844=)

Gene: SACS (sacsin molecular chaperone; minus strand). Cytogenetic location: 13q12.12.
Variant type: single nucleotide variant.
Coding change: c.11532T>C on transcript NM_014363.6 (MANE Select); coding-DNA position 11532, T replaced by C.
Protein change: p.Thr3844=; no amino-acid change (threonine 3844 retained).
Molecular consequence: synonymous variant.
Genome position (GRCh38, 1-based): chr13:23,332,344, A>G on the plus strand (T>C on the coding strand, the complement: SACS is on the minus strand). VCF-style: chr13-23332344-A-G. GRCh37 (hg19) VCF-style: chr13-23906483-A-G.
Other names: c.11091T>C, p.Thr3697= (NM_001278055.2).
Identifiers: ClinVar variation 741734 (VCV000741734.34), dbSNP rs756128473, ClinGen allele CA6910268.

ClinVar aggregate classification (germline): Likely benign. Review status: criteria provided, multiple submitters, no conflicts (2 of 4 stars). 2 submissions from 2 submitters: Likely benign (2). Last evaluated 2022-06-01.

Conditions:
Spastic paraplegia. Identifiers: MedGen C0037772, HP:0001258.

Allele frequency attached by ClinVar (database versions not stated): gnomAD exomes 0.00005 and 0.00002; ExAC 0.00007; TOPMed below 0.00001; gnomAD 0.00001.
gnomAD v4.1: 32 of 1,613,928 alleles (0.002%); highest among the groups gnomAD compares: Non-Finnish European, 0.0025%; no homozygotes.

Submissions (2):

CeGaT Center for Human Genetics Tuebingen
Classification: Likely benign. Last evaluated: 2022-06-01. Review status: criteria provided, single submitter. Criteria: CeGaT Center For Human Genetics Tuebingen Variant Classification Criteria Version 2. Collection method: clinical testing. Allele origin: germline. Affected: yes. Observed: 1 variant allele.
Comment: SACS: BP4, BP7

Labcorp Genetics (formerly Invitae), Labcorp
Classification: Likely benign for Spastic paraplegia. Last evaluated: 2020-03-29. Review status: criteria provided, single submitter. Criteria: Invitae Variant Classification Sherloc (09022015). Collection method: clinical testing. Allele origin: germline.